The following is an entry in ClinVar:

NM_016038.4(SBDS):c.308A>G (p.Gln103Arg)

Gene: SBDS (SBDS ribosome maturation factor; minus strand). Cytogenetic location: 7q11.21.
Variant type: single nucleotide variant.
Coding change: c.308A>G on transcript NM_016038.4 (MANE Select); coding-DNA position 308, A replaced by G.
Protein change: p.Gln103Arg; replaces glutamine 103 with arginine.
Molecular consequence: missense variant.
Genome position (GRCh38, 1-based): chr7:66,993,368, T>C on the plus strand (A>G on the coding strand, the complement: SBDS is on the minus strand). VCF-style: chr7-66993368-T-C. GRCh37 (hg19) VCF-style: chr7-66458355-T-C.
Other names: short protein forms Q103R.
Identifiers: ClinVar variation 4630240 (VCV004630240.1).

ClinVar aggregate classification (germline): Uncertain significance (1 of 4 stars; one submission).

Conditions:
Inborn genetic diseases. Identifiers: MedGen C0950123, MeSH D030342.

gnomAD v4.1: 1 of 1,614,044 alleles (0.000062%); highest among the groups gnomAD compares: Non-Finnish European, 0.000085%; no homozygotes.

Submission:

Ambry Genetics
Classification: Uncertain significance for Inborn genetic diseases. Last evaluated: 2025-11-16. Review status: criteria provided, single submitter. Criteria: Ambry Variant Classification Scheme 2023. Collection method: clinical testing. Allele origin: germline.
Comment: The p.Q103R variant (also known as c.308A>G), located in coding exon 3 of the SBDS gene, results from an A to G substitution at nucleotide position 308. The glutamine at codon 103 is replaced by arginine, an amino acid with highly similar properties. This amino acid position is conserved. In addition, the in silico prediction for this alteration is inconclusive. Based on the available evidence, the clinical significance of this variant remains unclear.